The following is an entry in ClinVar:

ClinVar aggregate classification (germline): Uncertain significance (1 of 4 stars; one submission).

Conditions:
Legius syndrome. Identifiers: Orphanet 137605, MedGen C1969623, MONDO:0012669, OMIM 611431. Disease mechanism: loss of function.

Submission:

Labcorp Genetics (formerly Invitae), Labcorp
Classification: Uncertain significance for Legius syndrome. Last evaluated: 2025-02-11. Review status: criteria provided, single submitter. Criteria: Invitae Variant Classification Sherloc (09022015). Collection method: clinical testing. Allele origin: germline.
Comment: This sequence change replaces proline, which is neutral and non-polar, with serine, which is neutral and polar, at codon 167 of the SPRED1 protein (p.Pro167Ser). This variant is not present in population databases (gnomAD no frequency). This variant has not been reported in the literature in individuals affected with SPRED1-related conditions. Invitae Evidence Modeling of protein sequence and biophysical properties (such as structural, functional, and spatial information, amino acid conservation, physicochemical variation, residue mobility, and thermodynamic stability) indicates that this missense variant is not expected to disrupt SPRED1 protein function with a negative predictive value of 80%. In summary, the available evidence is currently insufficient to determine the role of this variant in disease. Therefore, it has been classified as a Variant of Uncertain Significance.

NM_152594.3(SPRED1):c.499C>T (p.Pro167Ser)

Gene: SPRED1 (sprouty related EVH1 domain containing 1; plus strand). Cytogenetic location: 15q14.
Variant type: single nucleotide variant.
Coding change: c.499C>T on transcript NM_152594.3 (MANE Select); coding-DNA position 499, C replaced by T.
Protein change: p.Pro167Ser; replaces proline 167 with serine.
Molecular consequence: missense variant.
Genome position (GRCh38, 1-based): chr15:38,339,812, C>T. VCF-style: chr15-38339812-C-T. GRCh37 (hg19) VCF-style: chr15-38632013-C-T.
Other names: short protein forms P167S.
Identifiers: ClinVar variation 4805009 (VCV004805009.1).